The following is an entry in ClinVar:

ClinVar aggregate classification (germline): Uncertain significance (1 of 4 stars; one submission).

Conditions:
Inborn genetic diseases. Identifiers: MedGen C0950123, MeSH D030342.

Submission:

Ambry Genetics
Classification: Uncertain significance for Inborn genetic diseases. Last evaluated: 2025-02-01. Review status: criteria provided, single submitter. Criteria: Ambry Variant Classification Scheme 2023. Collection method: clinical testing. Allele origin: germline.
Comment: The p.F133L variant (also known as c.399T>G), located in coding exon 2 of the ERCC6L2 gene, results from a T to G substitution at nucleotide position 399. The phenylalanine at codon 133 is replaced by leucine, an amino acid with highly similar properties. This amino acid position is conserved. In addition, this alteration is predicted to be deleterious by in silico analysis. Based on the available evidence, the clinical significance of this variant remains unclear.

NM_020207.7(ERCC6L2):c.399T>G (p.Phe133Leu)

Gene: ERCC6L2 (ERCC excision repair 6 like 2; plus strand). Cytogenetic location: 9q22.32.
Variant type: single nucleotide variant.
Coding change: c.399T>G on transcript NM_020207.7 (MANE Select); coding-DNA position 399, T replaced by G.
Protein change: p.Phe133Leu; replaces phenylalanine 133 with leucine.
Molecular consequence: missense variant. On other transcripts: non-coding transcript variant (1).
Genome position (GRCh38, 1-based): chr9:95,881,221, T>G. VCF-style: chr9-95881221-T-G. GRCh37 (hg19) VCF-style: chr9-98643503-T-G.
Other names: c.399T>G, p.Phe133Leu (NM_001010895.4, NM_001375291.1, NM_001375292.1 and 2 more transcripts); short protein forms F133L.
Identifiers: ClinVar variation 3845906 (VCV003845906.1).